The following is an entry in ClinVar:

NM_201596.3(CACNB2):c.544A>G (p.Met182Val)

Gene: CACNB2 (calcium voltage-gated channel auxiliary subunit beta 2; plus strand). Cytogenetic location: 10p12.31.
Variant type: single nucleotide variant.
Coding change: c.544A>G on transcript NM_201596.3 (MANE Select); coding-DNA position 544, A replaced by G.
Protein change: p.Met182Val; replaces methionine 182 with valine.
Molecular consequence: missense variant.
Genome position (GRCh38, 1-based): chr10:18,500,899, A>G. VCF-style: chr10-18500899-A-G. GRCh37 (hg19) VCF-style: chr10-18789828-A-G.
Other names: c.379A>G, p.Met127Val (NM_000724.4, NM_001330060.2); c.460A>G, p.Met154Val (NM_001167945.2, NM_201571.4, NM_201572.4); c.400A>G, p.Met134Val (NM_201570.3); c.382A>G, p.Met128Val (NM_201590.3); c.544A>G, p.Met182Val (NM_201593.3, NM_201597.3); short protein forms M128V, M182V, M127V, M154V, M134V.
Identifiers: ClinVar variation 411702 (VCV000411702.12), dbSNP rs775466397, ClinGen allele CA5429647.

ClinVar aggregate classification (germline): Uncertain significance. Review status: criteria provided, multiple submitters, no conflicts (2 of 4 stars). 4 submissions from 4 submitters: Uncertain significance (4). Last evaluated 2024-01-07.

Conditions:
Brugada syndrome. Also called: Sudden unexpected nocturnal death syndrome; Sudden Unexplained Death Syndrome; Sudden Unexplained Nocturnal Death Syndrome (SUNDS); Sudden unexplained nocturnal death syndrome. Identifiers: Orphanet 130, MedGen C1142166, MONDO:0015263.
Brugada syndrome 4 (BRGDA4). Identifiers: Orphanet 130, MedGen C2678477, MONDO:0012743, OMIM 611876.
Cardiovascular phenotype. Identifiers: MedGen CN230736.

Allele frequency attached by ClinVar (database versions not stated): ExAC 0.00002; gnomAD exomes 0.00003 and 0.00005; TOPMed 0.00004.

Submissions (4):

Ambry Genetics
Classification: Uncertain significance for Cardiovascular phenotype. Last evaluated: 2024-01-07. Review status: criteria provided, single submitter. Criteria: Ambry Variant Classification Scheme 2023. Collection method: clinical testing. Allele origin: germline.
Comment: The p.M128V variant (also known as c.382A>G), located in coding exon 4 of the CACNB2 gene, results from an A to G substitution at nucleotide position 382. The methionine at codon 128 is replaced by valine, an amino acid with highly similar properties. This amino acid position is not well conserved in available vertebrate species. In addition, the in silico prediction for this alteration is inconclusive. Since supporting evidence is limited at this time, the clinical significance of this alteration remains unclear.

Labcorp Genetics (formerly Invitae), Labcorp
Classification: Uncertain significance for Brugada syndrome 4. Last evaluated: 2023-12-19. Review status: criteria provided, single submitter. Criteria: Invitae Variant Classification Sherloc (09022015). Collection method: clinical testing. Allele origin: germline.
Comment: This sequence change replaces methionine, which is neutral and non-polar, with valine, which is neutral and non-polar, at codon 128 of the CACNB2 protein (p.Met128Val). This variant is present in population databases (rs775466397, gnomAD 0.007%). This variant has not been reported in the literature in individuals affected with CACNB2-related conditions. ClinVar contains an entry for this variant (Variation ID: 411702). Advanced modeling of protein sequence and biophysical properties (such as structural, functional, and spatial information, amino acid conservation, physicochemical variation, residue mobility, and thermodynamic stability) performed at Invitae indicates that this missense variant is not expected to disrupt CACNB2 protein function with a negative predictive value of 80%. In summary, the available evidence is currently insufficient to determine the role of this variant in disease. Therefore, it has been classified as a Variant of Uncertain Significance.

Fulgent Genetics
Classification: Uncertain significance for Brugada syndrome 4. Last evaluated: 2021-11-09. Review status: criteria provided, single submitter. Criteria: ACMG Guidelines, 2015. Collection method: clinical testing. Allele origin: unknown.

CSER _CC_NCGL, University of Washington
Classification: Uncertain significance for Brugada syndrome. Last evaluated: 2016-10-01. Review status: criteria provided, single submitter. Criteria: Amendola et al. (Genome Res. 2015). Collection method: research. Allele origin: germline. Affected: no. Study: CSER - NEXT Medicine variant annotation.
Comment: This interpretation considers GERP score and allele frequency data, in addition to published reports of the variant in the literature, available at the time of review.